The following is an entry in ClinVar:

NM_000229.2(LCAT):c.935A>G (p.Glu312Gly)

Gene: LCAT (lecithin-cholesterol acyltransferase; minus strand). Cytogenetic location: 16q22.1.
Variant type: single nucleotide variant.
Coding change: c.935A>G on transcript NM_000229.2 (MANE Select); coding-DNA position 935, A replaced by G.
Protein change: p.Glu312Gly; replaces glutamic acid 312 with glycine.
Molecular consequence: missense variant.
Genome position (GRCh38, 1-based): chr16:67,940,292, T>C on the plus strand (A>G on the coding strand, the complement: LCAT is on the minus strand). VCF-style: chr16-67940292-T-C. GRCh37 (hg19) VCF-style: chr16-67974195-T-C.
Other names: short protein forms E312G.
Identifiers: ClinVar variation 3866615 (VCV003866615.1).

ClinVar aggregate classification (germline): Uncertain significance (1 of 4 stars; one submission).

Conditions:
Cardiovascular phenotype. Identifiers: MedGen CN230736.

gnomAD v4.1: 2 of 1,614,008 alleles (0.00012%); highest among the groups gnomAD compares: Non-Finnish European, 0.00017%; no homozygotes.

Submission:

Ambry Genetics
Classification: Uncertain significance for Cardiovascular phenotype. Last evaluated: 2025-01-13. Review status: criteria provided, single submitter. Criteria: Ambry Variant Classification Scheme 2023. Collection method: clinical testing. Allele origin: germline.
Comment: The p.E312G variant (also known as c.935A>G), located in coding exon 6 of the LCAT gene, results from an A to G substitution at nucleotide position 935. The glutamic acid at codon 312 is replaced by glycine, an amino acid with similar properties. This amino acid position is conserved. In addition, the in silico prediction for this alteration is inconclusive. Based on the available evidence, the clinical significance of this variant remains unclear.